The following is an entry in ClinVar:

ClinVar aggregate classification (germline): Pathogenic. Review status: criteria provided, single submitter (1 of 4 stars). 2 submissions from 2 submitters: Pathogenic (1). 1 of the submissions does not count toward it. Last evaluated 2024-01-31.

Conditions:
Pituitary hormone deficiency.
GLI3-related disorder. Also called: GLI3-related disorders; GLI3-related condition. Identifiers: MedGen CN239292.

Submissions (2):

Cambridge Genomics Laboratory, East Genomic Laboratory Hub, NHS Genomic Medicine Service
Classification: Pathogenic for Pituitary hormone deficiency. Last evaluated: 2024-01-31. Review status: criteria provided, single submitter. Criteria: ACGS Best Practice Guidelines for Variant Classification in Rare Disease 2020. Collection method: clinical testing. Allele origin: germline. Affected: yes.
Comment: The splice donor variant NM_000168.6(GLI3):c.1028+1G>T causes the same amino acid change as a previously established pathogenic variant. (PS1_Supporting - Supporting) | The c.1028+1G>T variant is novel (not in any individuals) in gnomAD All. The c.1028+1G>T variant is novel (not in any individuals) in 1kG All. The c.1028+1G>T variant is novel (not in any individuals) in gnomAD Genomes v3 All. (PM2 - Moderate) | This variant results in the loss of an donor splice site for the clinically relevant transcript. This variant disrupts the donor splice site for an exon upstream from the penultimate exon junction and is therefore predicted to cause nonsense mediated decay. The gene GLI3 has a low rate of benign loss of function variants as indicated by a low upper bound of the observed/expected confidence interval 0.19. The c.1028+1G>T variant is a loss of function variant in the gene GLI3, which is intolerant of Loss of Function variants, as indicated by the presence of existing pathogenic loss of function variant NP_000159.3:p.E31* and 82 others. (PVS1 - Very Strong)

PreventionGenetics, part of Exact Sciences
Classification: Likely pathogenic for GLI3-related condition. Last evaluated: 2023-11-27. Review status: no assertion criteria provided. Collection method: clinical testing. Allele origin: germline. Not counted in ClinVar's aggregate classification.
Comment: The GLI3 c.1028+1G>T variant is predicted to disrupt the GT donor site and interfere with normal splicing. To our knowledge, this variant has not been reported in the literature or in a large population database, indicating this variant is rare. A similar variant affecting the same nucleotide position (c.1028+1G>A) was reported in one individual with preaxial polydactyly (Sczakiel. 2021. PubMed ID: 34482537). Variants that disrupt the consensus splice donor site in GLI3 are expected to be pathogenic. This variant is interpreted as likely pathogenic.

NM_000168.6(GLI3):c.1028+1G>T

Gene: GLI3 (GLI family zinc finger 3; minus strand). Cytogenetic location: 7p14.1.
Variant type: single nucleotide variant.
Coding change: c.1028+1G>T on transcript NM_000168.6 (MANE Select); the canonical splice donor site of the intron after coding-DNA position 1028, G replaced by T.
Molecular consequence: splice donor variant.
Genome position (GRCh38, 1-based): chr7:42,040,037, C>A on the plus strand (G>T on the coding strand, the complement: GLI3 is on the minus strand). VCF-style: chr7-42040037-C-A. GRCh37 (hg19) VCF-style: chr7-42079636-C-A.
Identifiers: ClinVar variation 3040699 (VCV003040699.3), dbSNP rs1375768446, ClinGen allele CA367328348.
Genomic context (GRCh38, chr7:42,040,037, plus strand): 5'-GTGCAAACAAGTGCTGACATTACATTTAAAAAACACATAATGGATTCAGGAAAATACATA[C>A]CTGATTGCACTTGCAGATAAGTGACCATAGGAGCCACTTGCTGAAGAGCTGCTACGGGAA-3'